The following is an entry in ClinVar:

ClinVar aggregate classification (germline): Uncertain significance (1 of 4 stars; one submission).

Conditions:
BEST1-related disorder. Also called: BEST1-related condition; BEST1-related disorders. Identifiers: MedGen CN239200.

gnomAD v4.1: 5 of 1,614,212 alleles (0.00031%); highest among the groups gnomAD compares: Admixed American, 0.0083%; no homozygotes.

Submission:

PreventionGenetics, part of Exact Sciences
Classification: Uncertain significance for BEST1-related condition. Last evaluated: 2024-11-07. Review status: criteria provided, single submitter. Criteria: ACMG Guidelines, 2015. Collection method: clinical testing. Allele origin: germline.
Comment: The BEST1 c.1613A>C variant is predicted to result in the amino acid substitution p.Glu538Ala. To our knowledge, this variant has not been reported in the literature. This variant is reported in 0.0087% of alleles in individuals of Latino descent in gnomAD. At this time, the clinical significance of this variant is uncertain due to the absence of conclusive functional and genetic evidence.

NM_004183.4(BEST1):c.1613A>C (p.Glu538Ala)

Gene: BEST1 (bestrophin 1; plus strand). Cytogenetic location: 11q12.3.
Variant type: single nucleotide variant.
Coding change: c.1613A>C on transcript NM_004183.4 (MANE Select); coding-DNA position 1613, A replaced by C.
Protein change: p.Glu538Ala; replaces glutamic acid 538 with alanine.
Molecular consequence: missense variant. On other transcripts: 3 prime UTR variant (1), non-coding transcript variant (1).
Genome position (GRCh38, 1-based): chr11:61,962,767, A>C. VCF-style: chr11-61962767-A-C. GRCh37 (hg19) VCF-style: chr11-61730239-A-C.
Other names: c.1433A>C, p.Glu478Ala (NM_001139443.3, NM_001300787.2); c.1352A>C, p.Glu451Ala (NM_001300786.2, NM_001440574.1); c.1295A>C, p.Glu432Ala (NM_001363591.3); c.*508A>C (NM_001363592.2); c.641A>C, p.Glu214Ala (NM_001363593.3); c.1613A>C, p.Glu538Ala (NM_001440571.1); c.1532A>C, p.Glu511Ala (NM_001440572.1); c.1460A>C, p.Glu487Ala (NM_001440573.1); and 2 more; short protein forms E427A, E214A, E451A, E478A, E511A, E538A, E400A, E432A.
Identifiers: ClinVar variation 4978580 (VCV004978580.1).
Genomic context (GRCh38, chr11:61,962,767, plus strand): 5'-AGAGCGATGGGGCCTTGATGGAGCACCCAGAAGTATCTCAAGTGAGGAGGAAAACTGTGG[A>C]GTTTAACCTGACGGATATGCCAGAGATCCCCGAAAATCACCTCAAAGAACCTTTGGAACA-3'
Protein context (NP_004174.1, residues 528-548): EVSQVRRKTV[Glu538Ala]FNLTDMPEIP